The following is an entry in ClinVar:

NM_020745.4(AARS2):c.1430C>T (p.Ala477Val)

Gene: AARS2 (alanyl-tRNA synthetase 2, mitochondrial; minus strand). Cytogenetic location: 6p21.1.
Variant type: single nucleotide variant.
Coding change: c.1430C>T on transcript NM_020745.4 (MANE Select); coding-DNA position 1430, C replaced by T.
Protein change: p.Ala477Val; replaces alanine 477 with valine.
Molecular consequence: missense variant.
Genome position (GRCh38, 1-based): chr6:44,305,657, G>A on the plus strand (C>T on the coding strand, the complement: AARS2 is on the minus strand). VCF-style: chr6-44305657-G-A. GRCh37 (hg19) VCF-style: chr6-44273394-G-A.
Other names: short protein forms A477V.
Identifiers: ClinVar variation 2056400 (VCV002056400.4), dbSNP rs1489674918, ClinGen allele CA364339046.

ClinVar aggregate classification (germline): Uncertain significance (1 of 4 stars; one submission).

Submission:

Labcorp Genetics (formerly Invitae), Labcorp
Classification: Uncertain significance. Last evaluated: 2021-12-24. Review status: criteria provided, single submitter. Criteria: Invitae Variant Classification Sherloc (09022015). Collection method: clinical testing. Allele origin: germline.
Comment: In summary, the available evidence is currently insufficient to determine the role of this variant in disease. Therefore, it has been classified as a Variant of Uncertain Significance. This sequence change replaces alanine, which is neutral and non-polar, with valine, which is neutral and non-polar, at codon 477 of the AARS2 protein (p.Ala477Val). This variant is not present in population databases (gnomAD no frequency). This variant has not been reported in the literature in individuals affected with AARS2-related conditions. Advanced modeling of protein sequence and biophysical properties (such as structural, functional, and spatial information, amino acid conservation, physicochemical variation, residue mobility, and thermodynamic stability) performed at Invitae indicates that this missense variant is not expected to disrupt AARS2 protein function.